The following is an entry in ClinVar:

NM_000264.5(PTCH1):c.2080_2081del (p.Gln694fs)

Genes: PTCH1 (patched 1; minus strand), LOC100507346 (uncharacterized LOC100507346; plus strand). Cytogenetic location: 9q22.32.
Variant type: Microsatellite.
Coding change: c.2080_2081del on transcript NM_000264.5 (MANE Select); coding-DNA positions 2080 to 2081, 2 bases deleted (CA; older notation c.2080_2081delCA).
Protein change: p.Gln694fs; shifts the reading frame from glutamine 694.
Molecular consequence: frameshift variant. On other transcripts: non-coding transcript variant (2).
Genome position (GRCh38, 1-based): chr9:95,468,920-95,468,921, TG deleted on the plus strand (CA on the coding strand, the reverse complement: PTCH1 is on the minus strand); deleting any 2 consecutive bases within chr9:95,468,920-95,468,924 gives the same sequence; the c. name uses the placement nearest the transcript's 3' end. VCF-style (leftmost placement, unchanged base first): chr9-95468919-CTG-C. GRCh37 (hg19) VCF-style: chr9-98231201-CTG-C.
Other names: c.1882_1883del, p.Gln628fs (NM_001083602.3); c.2077_2078del, p.Gln693fs (NM_001083603.3); c.1627_1628del, p.Gln543fs (NM_001083604.3, NM_001083605.3, NM_001083606.3 and 1 more transcripts); c.1924_1925del, p.Gln642fs (NM_001354918.2); short protein forms Q543fs, Q628fs, Q642fs, Q693fs, Q694fs.
Identifiers: ClinVar variation 4279625 (VCV004279625.1).

ClinVar aggregate classification (germline): Likely pathogenic (1 of 4 stars; one submission).

Conditions:
Basal cell nevus syndrome 1 (BCNS1). Also called: GORLIN-GOLTZ SYNDROME; MULTIPLE BASAL CELL NEVI, ODONTOGENIC KERATOCYSTS, AND SKELETAL ANOMALIES. Identifiers: MedGen CN376810, MONDO:0958174, OMIM 109400.

Submission:

Diagnostics Services (NGS), CSIR - Centre For Cellular And Molecular Biology
Classification: Likely pathogenic for Basal cell nevus syndrome 1. Last evaluated: 2025-09-19. Review status: criteria provided, single submitter. Criteria: ACMG Guidelines, 2015. Collection method: clinical testing. Allele origin: germline. Affected: yes. Observed: 1 variant allele, 1 heterozygote.
Comment: The c.2080_2081del variant is not present in publicly available population databases like 1000 Genomes, EVS, gnomAD, Indian Exome Database or our internal database. This variant has neither been published in literature in individuals affected with PTCH1-related conditions nor reported to clinical databases including Human Genome Mutation Database (HGMD), ClinVar or OMIM in any affected individuals. In-silico pathogenicity prediction programs like MutationTaster2021, CADD, Varsome, Franklin etc, predicted this variant to be likely deleterious. This variant causes a frameshift at the 694th amino acid position of the wild-type transcript which creates a premature translational stop signal at the altered transcript, that may either result in translation of a truncated protein or cause nonsense-mediated decay of the mRNA.